The following is an entry in ClinVar:

ClinVar aggregate classification (germline): Conflicting classifications of pathogenicity. Review status: criteria provided, conflicting classifications (1 of 4 stars). 4 submissions from 4 submitters: Uncertain significance (1); Likely benign (2). 1 of the submissions does not count toward it. Last evaluated 2026-01-14.

Conditions:
NOTCH2-related disorder. Also called: NOTCH2-related condition.
Hajdu-Cheney syndrome (HJCYS). Also called: Acroosteolysis dominant type; ACROOSTEOLYSIS WITH OSTEOPOROSIS AND CHANGES IN SKULL AND MANDIBLE; SERPENTINE FIBULA-POLYCYSTIC KIDNEY SYNDROME. Identifiers: Orphanet 955, MedGen C0917715, MONDO:0007057, OMIM 102500.

Allele frequency attached by ClinVar (database versions not stated): gnomAD 0.00003; gnomAD exomes 0.00004 and 0.00006; TOPMed 0.00004; ExAC 0.00006; 1000 Genomes Project 30x 0.00016; 1000 Genomes Project 0.00020.
gnomAD v4.1: 86 of 1,613,550 alleles (0.0053%); highest among the groups gnomAD compares: Middle Eastern, 0.033%; no homozygotes.

Submissions (4):

Labcorp Genetics (formerly Invitae), Labcorp
Classification: Likely benign for Hajdu-Cheney syndrome. Last evaluated: 2026-01-14. Review status: criteria provided, single submitter. Criteria: Invitae Variant Classification Sherloc (09022015). Collection method: clinical testing. Allele origin: germline.

Blueprint Genetics
Classification: Likely benign. Last evaluated: 2023-09-29. Review status: criteria provided, single submitter. Criteria: ACMG Guidelines, 2015. Collection method: clinical testing. Allele origin: germline.

Eurofins Ntd Llc (ga)
Classification: Uncertain significance. Last evaluated: 2016-12-13. Review status: criteria provided, single submitter. Criteria: EGL Classification Definitions 2015. Collection method: clinical testing. Allele origin: germline. Observed: 1 variant allele, 1 heterozygote.

PreventionGenetics, part of Exact Sciences
Classification: Likely benign for NOTCH2-related condition. Last evaluated: 2023-12-14. Review status: no assertion criteria provided. Collection method: clinical testing. Allele origin: germline. Not counted in ClinVar's aggregate classification.
Comment: This variant is classified as likely benign based on ACMG/AMP sequence variant interpretation guidelines (Richards et al. 2015 PMID: 25741868, with internal and published modifications).

NM_024408.4(NOTCH2):c.2388T>A (p.Ile796=)

Gene: NOTCH2 (notch receptor 2; minus strand). Cytogenetic location: 1p12.
Variant type: single nucleotide variant.
Coding change: c.2388T>A on transcript NM_024408.4 (MANE Select); coding-DNA position 2388, T replaced by A.
Protein change: p.Ile796=; no amino-acid change (isoleucine 796 retained).
Molecular consequence: synonymous variant.
Genome position (GRCh38, 1-based): chr1:119,950,815, A>T on the plus strand (T>A on the coding strand, the complement: NOTCH2 is on the minus strand). VCF-style: chr1-119950815-A-T. GRCh37 (hg19) VCF-style: chr1-120493438-A-T.
Other names: c.2388T>A, p.Ile796= (NM_001200001.2); c.2388T>A (NM_024408.3).
Identifiers: ClinVar variation 499246 (VCV000499246.13), dbSNP rs138943874, ClinGen allele CA1040311.